The following is an entry in ClinVar:

NC_000001.10:g.(236145083_236148678)_(236148806_236154185)del

Gene: NID1 (nidogen 1; minus strand). Cytogenetic location: 1q42.3.
Variant type: Deletion.
Identifiers: ClinVar variation 3339779 (VCV003339779.1).

ClinVar aggregate classification (germline): Uncertain significance (1 of 4 stars; one submission).

Submission:

Women's Health and Genetics/Laboratory Corporation of America, LabCorp
Classification: Uncertain significance. Last evaluated: 2024-06-03. Review status: criteria provided, single submitter. Criteria: LabCorp Variant Classification Summary - May 2015. Collection method: clinical testing. Allele origin: germline.
Comment: Variant summary: The variant involves the deletion of exon 15 in the NID1 gene. A presumed nomenclature of c.(2928+1_2929-1)_(3055+1_3056-1)del has been designated for the purposes of this classification. This Copy Number Variant (CNV) is expected to alter the reading frame and predicted to result in a truncation or absence of the encoded protein due to nonsense mediated decay (NMD). However, the role of loss-of-function variants in disease is currently unknown for the NID1 gene. The available data on variant occurrences in the general population are insufficient to allow any conclusion about variant significance. The variant was detected at a frequency of 0.00014 in 21694 control chromosomes (gnomAD Structural Variants Dataset). To our knowledge, no occurrence of c.(2928+1_2929-1)_(3055+1_3056-1)del in individuals affected with NID1-Related Disorders and no experimental evidence demonstrating its impact on protein function have been reported. No submitters have cited clinical-significance assessments for this variant to ClinVar. Based on the evidence outlined above, the variant was classified as uncertain significance.